The following is an entry in ClinVar:

ClinVar aggregate classification (germline): Uncertain significance (1 of 4 stars; one submission).

Conditions:
Familial cancer of breast. Also called: Hereditary breast cancer; hereditary breast carcinoma; BREAST CANCER, FAMILIAL. Identifiers: Orphanet 227535, MedGen C0346153, MONDO:0016419, OMIM 114480. Disease mechanism: loss of function.

Submission:

Labcorp Genetics (formerly Invitae), Labcorp
Classification: Uncertain significance for Familial cancer of breast. Last evaluated: 2023-05-17. Review status: criteria provided, single submitter. Criteria: Invitae Variant Classification Sherloc (09022015). Collection method: clinical testing. Allele origin: germline.
Comment: This sequence change replaces lysine, which is basic and polar, with asparagine, which is neutral and polar, at codon 235 of the CHEK2 protein (p.Lys235Asn). This variant is not present in population databases (gnomAD no frequency). This variant has not been reported in the literature in individuals affected with CHEK2-related conditions. ClinVar contains an entry for this variant (Variation ID: 853405). An algorithm developed to predict the effect of missense changes on protein structure and function (PolyPhen-2) suggests that this variant is likely to be disruptive. In summary, the available evidence is currently insufficient to determine the role of this variant in disease. Therefore, it has been classified as a Variant of Uncertain Significance.

NM_007194.4(CHEK2):c.705G>C (p.Lys235Asn)

Gene: CHEK2 (checkpoint kinase 2; minus strand). Cytogenetic location: 22q12.1.
Variant type: single nucleotide variant.
Coding change: c.705G>C on transcript NM_007194.4 (MANE Select); coding-DNA position 705, G replaced by C.
Protein change: p.Lys235Asn; replaces lysine 235 with asparagine.
Molecular consequence: missense variant.
Genome position (GRCh38, 1-based): chr22:28,711,996, C>G on the plus strand (G>C on the coding strand, the complement: CHEK2 is on the minus strand). VCF-style: chr22-28711996-C-G. GRCh37 (hg19) VCF-style: chr22-29107984-C-G.
Other names: c.42G>C, p.Lys14Asn (NM_001257387.3); c.504G>C, p.Lys168Asn (NM_001349956.3); c.705G>C, p.Lys235Asn (NM_145862.3); c.834G>C, p.Lys278Asn (NM_001005735.3); short protein forms K235N, K278N, K168N, K14N.
Identifiers: ClinVar variation 853405 (VCV000853405.10), dbSNP rs1555921297, ClinGen allele CA411103433.